The following is an entry in ClinVar:

NM_000059.4(BRCA2):c.7103del (p.Leu2368fs)

Gene: BRCA2 (BRCA2 DNA repair associated; plus strand). Cytogenetic location: 13q13.1.
Variant type: Deletion.
Coding change: c.7103del on transcript NM_000059.4 (MANE Select); coding-DNA position 7103, one base deleted (T; older notation c.7103delT).
Protein change: p.Leu2368fs; shifts the reading frame from leucine 2368.
Molecular consequence: frameshift variant.
Genome position (GRCh38, 1-based): chr13:32,354,956, T deleted; the last of 3 consecutive T bases (chr13:32,354,954-32,354,956); deleting any one gives the same sequence. VCF-style (leftmost placement, unchanged base first): chr13-32354953-CT-C. GRCh37 (hg19) VCF-style: chr13-32929090-CT-C.
Other names: c.7007delT, p.Leu2336Trpfs (NM_001406719.1); c.7103delT, p.Leu2368Trpfs (NM_001406720.1); c.2171delT, p.Leu724Trpfs (NM_001406721.1); c.686delT, p.Leu229Trpfs (NM_001406722.1); short protein forms L2368fs.
Identifiers: ClinVar variation 1757194 (VCV001757194.2), dbSNP rs2548540104, ClinGen allele CA2580087392.

ClinVar aggregate classification (germline): Pathogenic (1 of 4 stars; one submission).

Conditions:
Hereditary cancer-predisposing syndrome. Also called: Neoplastic Syndromes, Hereditary; Tumor predisposition; Hereditary Cancer Syndrome; Hereditary neoplastic syndrome. Identifiers: Orphanet 140162, MedGen C0027672, MeSH D009386, MONDO:0015356.

Submission:

Ambry Genetics
Classification: Pathogenic for Hereditary cancer-predisposing syndrome. Last evaluated: 2022-04-29. Review status: criteria provided, single submitter. Criteria: Ambry Variant Classification Scheme 2023. Collection method: clinical testing. Allele origin: germline.
Comment: The c.7103delT variant, located in coding exon 13 of the BRCA2 gene, results from a deletion of one nucleotide at nucleotide position 7103, causing a translational frameshift with a predicted alternate stop codon (p.L2368Wfs*8). This variant is considered to be rare based on population cohorts in the Genome Aggregation Database (gnomAD). This alteration is expected to result in loss of function by premature protein truncation or nonsense-mediated mRNA decay. As such, this alteration is interpreted as a disease-causing mutation.